The following is an entry in ClinVar:

NM_000222.3(KIT):c.2230A>G (p.Ile744Val)

Gene: KIT (KIT proto-oncogene, receptor tyrosine kinase; plus strand). Cytogenetic location: 4q12.
Variant type: single nucleotide variant.
Coding change: c.2230A>G on transcript NM_000222.3 (MANE Select); coding-DNA position 2230, A replaced by G.
Protein change: p.Ile744Val; replaces isoleucine 744 with valine.
Molecular consequence: missense variant.
Genome position (GRCh38, 1-based): chr4:54,731,416, A>G. VCF-style: chr4-54731416-A-G. GRCh37 (hg19) VCF-style: chr4-55597582-A-G.
Other names: c.2218A>G, p.Ile740Val (NM_001093772.2, NM_001385292.1); c.2233A>G, p.Ile745Val (NM_001385284.1); c.2227A>G, p.Ile743Val (NM_001385285.1); c.2215A>G, p.Ile739Val (NM_001385286.1); c.2221A>G, p.Ile741Val (NM_001385288.1); c.2230A>G, p.Ile744Val (NM_001385290.1); short protein forms I740V, I741V, I744V, I745V, I739V, I743V.
Identifiers: ClinVar variation 2759687 (VCV002759687.3), dbSNP rs1722590381, ClinGen allele CA356910794.

ClinVar aggregate classification (germline): Uncertain significance (1 of 4 stars; one submission).

Conditions:
Gastrointestinal stromal tumor. Also called: Gastrointestinal stromal tumor, somatic; Gastrointestinal stroma tumor. Identifiers: Orphanet 44890, MedGen C0238198, MeSH D046152, MONDO:0011719, OMIM 606764, HP:0100723.

Submission:

Labcorp Genetics (formerly Invitae), Labcorp
Classification: Uncertain significance for Gastrointestinal stromal tumor. Last evaluated: 2023-09-10. Review status: criteria provided, single submitter. Criteria: Invitae Variant Classification Sherloc (09022015). Collection method: clinical testing. Allele origin: germline.
Comment: Algorithms developed to predict the effect of missense changes on protein structure and function output the following: SIFT: "Not Available"; PolyPhen-2: "Benign"; Align-GVGD: "Not Available". The valine amino acid residue is found in multiple mammalian species, which suggests that this missense change does not adversely affect protein function. In summary, the available evidence is currently insufficient to determine the role of this variant in disease. Therefore, it has been classified as a Variant of Uncertain Significance. This sequence change replaces isoleucine, which is neutral and non-polar, with valine, which is neutral and non-polar, at codon 744 of the KIT protein (p.Ile744Val). This variant is not present in population databases (gnomAD no frequency). This variant has not been reported in the literature in individuals affected with KIT-related conditions.